The following is an entry in ClinVar:

NM_003611.3(OFD1):c.1980dup (p.Ala661fs)

Gene: OFD1 (OFD1 centriole and centriolar satellite protein; plus strand). Cytogenetic location: Xp22.2.
Variant type: Duplication.
Coding change: c.1980dup on transcript NM_003611.3 (MANE Select); coding-DNA position 1980, one base duplicated (T; older notation c.1980dupT).
Protein change: p.Ala661fs; shifts the reading frame from alanine 661.
Molecular consequence: frameshift variant.
Genome position (GRCh38, 1-based): chrX:13,760,440, T duplicated. VCF-style (leftmost placement, unchanged base first): chrX-13760439-C-CT. GRCh37 (hg19) VCF-style: chrX-13778558-C-CT.
Other names: c.1860dup, p.Ala621fs (NM_001330209.2); c.1560dup, p.Ala521fs (NM_001330210.2); short protein forms A621fs, A661fs, A521fs.
Identifiers: ClinVar variation 960604 (VCV000960604.8), dbSNP rs2047883109, ClinGen allele CA1139667231.
Genomic context (GRCh38, chrX:13,760,439, plus strand): 5'-AAGAGGCCGAACGCTTGGAAAAGGCTTTCAGAAGTTACCATCGGAGAGTCATTAAAAACT[C>CT]TGCCAAAAGCCCACTAGCAGCAAAGAGCCCACCATCTCTGCACTTGCTGGAAGCCTTCAA-3'

ClinVar aggregate classification (germline): Pathogenic (1 of 4 stars; one submission).

Conditions:
Orofaciodigital syndrome I (OFD1). Also called: Papillon-Leage and Psaume Syndrome; Oral-Facial-Digital Syndrome Type I; OFDS I. Identifiers: Orphanet 2750, MedGen C1510460, MONDO:0010702, OMIM 311200.
Joubert syndrome. Also called: Familial aplasia of the vermis; CEREBELLOPARENCHYMAL DISORDER IV; JOUBERT-BOLTSHAUSER SYNDROME. Identifiers: Orphanet 475, MedGen C5979921, MONDO:0018772.

Submission:

Labcorp Genetics (formerly Invitae), Labcorp
Classification: Pathogenic for Orofaciodigital syndrome I; Joubert syndrome. Last evaluated: 2019-08-29. Review status: criteria provided, single submitter. Criteria: Invitae Variant Classification Sherloc (09022015). Collection method: clinical testing. Allele origin: germline.
Comment: For these reasons, this variant has been classified as Pathogenic. Loss-of-function variants in OFD1 are known to be pathogenic (PMID: 16783569, 18546297, 27081566). This variant has not been reported in the literature in individuals with OFD1-related conditions. This variant is not present in population databases (ExAC no frequency). This sequence change creates a premature translational stop signal (p.Ala661Cysfs*40) in the OFD1 gene. It is expected to result in an absent or disrupted protein product.

Literature cited by the submitters: PubMed 16783569; PubMed 18546297; PubMed 27081566.